The following is an entry in ClinVar:

ClinVar aggregate classification (germline): Likely pathogenic. Review status: criteria provided, multiple submitters, no conflicts (2 of 4 stars). 4 submissions from 4 submitters: Likely pathogenic (3). 1 of the submissions does not count toward it. Last evaluated 2024-02-06.

Conditions:
Autosomal recessive limb-girdle muscular dystrophy type 2D (LGMDR3). Also called: MUSCULAR DYSTROPHY, LIMB-GIRDLE, AUTOSOMAL RECESSIVE 3; DUCHENNE-LIKE AUTOSOMAL RECESSIVE MUSCULAR DYSTROPHY, TYPE 2; ADHALINOPATHY, PRIMARY. Identifiers: Orphanet 62, MedGen C2936332, MONDO:0011968, OMIM 608099. Disease mechanism: Affects gamma-sarcoglycan and also disrupts the integrity of the entire sarcoglycan complex..

Allele frequency attached by ClinVar (database versions not stated): gnomAD exomes 0.00001.

Submissions (4):

Labcorp Genetics (formerly Invitae), Labcorp
Classification: Likely pathogenic for Autosomal recessive limb-girdle muscular dystrophy type 2D. Last evaluated: 2024-02-06. Review status: criteria provided, single submitter. Criteria: Invitae Variant Classification Sherloc (09022015). Collection method: clinical testing. Allele origin: germline.
Comment: This sequence change affects an acceptor splice site in intron 6 of the SGCA gene. It is expected to disrupt RNA splicing. Variants that disrupt the donor or acceptor splice site typically lead to a loss of protein function (PMID: 16199547), and loss-of-function variants in SGCA are known to be pathogenic (PMID: 9192266). This variant is present in population databases (no rsID available, gnomAD 0.01%). This variant has not been reported in the literature in individuals affected with SGCA-related conditions. ClinVar contains an entry for this variant (Variation ID: 553104). Algorithms developed to predict the effect of sequence changes on RNA splicing suggest that this variant may disrupt the consensus splice site. In summary, the currently available evidence indicates that the variant is pathogenic, but additional data are needed to prove that conclusively. Therefore, this variant has been classified as Likely Pathogenic.

Genome-Nilou Lab
Classification: Likely pathogenic for Autosomal recessive limb-girdle muscular dystrophy type 2D. Last evaluated: 2023-02-08. Review status: criteria provided, single submitter. Criteria: ACMG Guidelines, 2015. Collection method: clinical testing. Allele origin: germline.

Juno Genomics, Hangzhou Juno Genomics, Inc
Classification: Likely pathogenic for Autosomal recessive limb-girdle muscular dystrophy type 2D. Review status: criteria provided, single submitter. Criteria: ACMG Guidelines, 2015. Collection method: clinical testing. Allele origin: germline.
Comment: Null variant in a gene where loss of function (LOF) is a known mechanism of disease.;Absent from controls (or at extremely low frequency if recessive) in Genome Aggregation Database.

Counsyl
Classification: Likely pathogenic for Autosomal recessive limb-girdle muscular dystrophy type 2D. Last evaluated: 2017-07-27. Review status: no assertion criteria provided. Collection method: clinical testing. Allele origin: unknown. Not counted in ClinVar's aggregate classification.

Literature cited by the submitters: PubMed 16199547 (cited by Labcorp Genetics (formerly Invitae), Labcorp); PubMed 9192266 (cited by Labcorp Genetics (formerly Invitae), Labcorp).

NM_000023.4(SGCA):c.748-2A>T

Gene: SGCA (sarcoglycan alpha; plus strand). Cytogenetic location: 17q21.33.
Variant type: single nucleotide variant.
Coding change: c.748-2A>T on transcript NM_000023.4 (MANE Select); the canonical splice acceptor site of the intron before coding-DNA position 748, A replaced by T.
Molecular consequence: splice acceptor variant. On other transcripts: intron variant (1).
Genome position (GRCh38, 1-based): chr17:50,170,141, A>T. VCF-style: chr17-50170141-A-T. GRCh37 (hg19) VCF-style: chr17-48247502-A-T.
Other names: c.585-499A>T (NM_001135697.3).
Identifiers: ClinVar variation 553104 (VCV000553104.13), dbSNP rs1412537279, ClinGen allele CA400181238.